The following is an entry in ClinVar:

NM_001378454.1(ALMS1):c.4222G>C (p.Val1408Leu)

Gene: ALMS1 (ALMS1 centrosome and basal body associated protein; plus strand). Cytogenetic location: 2p13.1.
Variant type: single nucleotide variant.
Coding change: c.4222G>C on transcript NM_001378454.1 (MANE Select); coding-DNA position 4222, G replaced by C.
Protein change: p.Val1408Leu; replaces valine 1408 with leucine.
Molecular consequence: missense variant.
Genome position (GRCh38, 1-based): chr2:73,450,749, G>C. VCF-style: chr2-73450749-G-C. GRCh37 (hg19) VCF-style: chr2-73677876-G-C.
Other names: c.4225G>C, p.Val1409Leu (NM_015120.4); short protein forms V1408L, V1409L.
Identifiers: ClinVar variation 3044795 (VCV003044795.1), dbSNP rs200529564, ClinGen allele CA347277785.

ClinVar aggregate classification (germline): Uncertain significance (1 of 4 stars; one submission).

Conditions:
ALMS1-related disorder. Also called: ALMS1-related condition.

Submission:

PreventionGenetics, part of Exact Sciences
Classification: Uncertain significance for ALMS1-related condition. Last evaluated: 2023-12-01. Review status: criteria provided, single submitter. Criteria: ACMG Guidelines, 2015. Collection method: clinical testing. Allele origin: germline.
Comment: The ALMS1 c.4225G>C variant is predicted to result in the amino acid substitution p.Ala1409Pro. To our knowledge, this variant has not been reported in the literature. This variant is reported in 0.024% of alleles in individuals of European (Finnish) descent in gnomAD. At this time, the clinical significance of this variant is uncertain due to the absence of conclusive functional and genetic evidence.